The following is an entry in ClinVar:

ClinVar aggregate classification (germline): Uncertain significance (1 of 4 stars; one submission).

gnomAD v4.1: 12 of 1,614,026 alleles (0.00074%); highest among the groups gnomAD compares: Non-Finnish European, 0.001%; no homozygotes.

Submission:

Labcorp Genetics (formerly Invitae), Labcorp
Classification: Uncertain significance. Last evaluated: 2022-12-22. Review status: criteria provided, single submitter. Criteria: Invitae Variant Classification Sherloc (09022015). Collection method: clinical testing. Allele origin: germline.
Comment: This sequence change replaces valine, which is neutral and non-polar, with leucine, which is neutral and non-polar, at codon 253 of the ALPL protein (p.Val253Leu). This variant is present in population databases (rs151270365, gnomAD 0.0009%). This variant has not been reported in the literature in individuals affected with ALPL-related conditions. Advanced modeling of protein sequence and biophysical properties (such as structural, functional, and spatial information, amino acid conservation, physicochemical variation, residue mobility, and thermodynamic stability) performed at Invitae indicates that this missense variant is expected to disrupt ALPL protein function. In summary, the available evidence is currently insufficient to determine the role of this variant in disease. Therefore, it has been classified as a Variant of Uncertain Significance.

NM_000478.6(ALPL):c.757G>C (p.Val253Leu)

Gene: ALPL (alkaline phosphatase, biomineralization associated; plus strand). Cytogenetic location: 1p36.12.
Variant type: single nucleotide variant.
Coding change: c.757G>C on transcript NM_000478.6 (MANE Select); coding-DNA position 757, G replaced by C.
Protein change: p.Val253Leu; replaces valine 253 with leucine.
Molecular consequence: missense variant.
Genome position (GRCh38, 1-based): chr1:21,568,212, G>C. VCF-style: chr1-21568212-G-C. GRCh37 (hg19) VCF-style: chr1-21894705-G-C.
Other names: c.592G>C, p.Val198Leu (NM_001127501.4); c.526G>C, p.Val176Leu (NM_001177520.3); c.757G>C, p.Val253Leu (NM_001369803.2, NM_001369804.2, NM_001369805.2); short protein forms V176L, V253L, V198L.
Identifiers: ClinVar variation 2987316 (VCV002987316.3), dbSNP rs151270365, ClinGen allele CA666596.